The following is an entry in ClinVar:

NM_015629.4(PRPF31):c.583C>G (p.Leu195Val)

Gene: PRPF31 (pre-mRNA processing factor 31; plus strand). Cytogenetic location: 19q13.42.
Variant type: single nucleotide variant.
Coding change: c.583C>G on transcript NM_015629.4 (MANE Select); coding-DNA position 583, C replaced by G.
Protein change: p.Leu195Val; replaces leucine 195 with valine.
Molecular consequence: missense variant.
Genome position (GRCh38, 1-based): chr19:54,123,804, C>G. VCF-style: chr19-54123804-C-G. GRCh37 (hg19) VCF-style: chr19-54627183-C-G.
Other names: short protein forms L195V.
Identifiers: ClinVar variation 1472243 (VCV001472243.8), dbSNP rs1252030145, ClinGen allele CA407750552.
Genomic context (GRCh38, chr19:54,123,804, plus strand): 5'-TGCAGGCAGCAGCTGTCGGAGGAGGAGCTGGAGCGGCTGGAGGAGGCCTGCGACATGGCG[C>G]TGGAGCTGAACGCCTCCAAGCACCGCATCTACGAGTATGTGGAGTCCCGGATGTCCTTCA-3'
Protein context (NP_056444.3, residues 185-205): ERLEEACDMA[Leu195Val]ELNASKHRIY

ClinVar aggregate classification (germline): Uncertain significance (1 of 4 stars; one submission).

Allele frequency attached by ClinVar (database versions not stated): gnomAD exomes 0.00001.
gnomAD v4.1: 18 of 1,613,102 alleles (0.0011%); highest among the groups gnomAD compares: Non-Finnish European, 0.0014%; no homozygotes.

Submission:

Labcorp Genetics (formerly Invitae), Labcorp
Classification: Uncertain significance. Last evaluated: 2021-01-30. Review status: criteria provided, single submitter. Criteria: Invitae Variant Classification Sherloc (09022015). Collection method: clinical testing. Allele origin: germline.
Comment: This variant has not been reported in the literature in individuals with PRPF31-related conditions. This variant is not present in population databases (ExAC no frequency). This sequence change replaces leucine with valine at codon 195 of the PRPF31 protein (p.Leu195Val). The leucine residue is moderately conserved and there is a small physicochemical difference between leucine and valine. In summary, the available evidence is currently insufficient to determine the role of this variant in disease. Therefore, it has been classified as a Variant of Uncertain Significance. Algorithms developed to predict the effect of missense changes on protein structure and function (SIFT, PolyPhen-2, Align-GVGD) all suggest that this variant is likely to be tolerated, but these predictions have not been confirmed by published functional studies and their clinical significance is uncertain.